The following is an entry in ClinVar:

NM_002691.4(POLD1):c.1661_1670del (p.Lys554fs)

Gene: POLD1 (DNA polymerase delta 1, catalytic subunit; plus strand). Cytogenetic location: 19q13.33.
Variant type: Deletion.
Coding change: c.1661_1670del on transcript NM_002691.4 (MANE Select); coding-DNA positions 1661 to 1670, 10 bases deleted (AGGTCGTATC; older notation c.1661_1670delAGGTCGTATC).
Protein change: p.Lys554fs; shifts the reading frame from lysine 554.
Molecular consequence: frameshift variant. On other transcripts: non-coding transcript variant (1).
Genome position (GRCh38, 1-based): chr19:50,407,149-50,407,158, AGGTCGTATC deleted. VCF-style (leftmost placement, unchanged base first): chr19-50407148-AAGGTCGTATC-A. GRCh37 (hg19) VCF-style: chr19-50910405-AAGGTCGTATC-A.
Other names: c.1661_1670del, p.Lys554fs (NM_001256849.1, NM_001308632.1); short protein forms K554fs.
Identifiers: ClinVar variation 864253 (VCV000864253.12), dbSNP rs2038923676, ClinGen allele CA916082475.

ClinVar aggregate classification (germline): Uncertain significance. Review status: criteria provided, multiple submitters, no conflicts (2 of 4 stars). 2 submissions from 2 submitters: Uncertain significance (2). Last evaluated 2019-01-29.

Conditions:
POLD1-related polyposis and colorectal cancer syndrome (CRCS10). Also called: Colorectal cancer 10; COLORECTAL CANCER, SUSCEPTIBILITY TO, ON CHROMOSOME 19q; Colorectal cancer, susceptibility to, 10. Identifiers: Orphanet 220460, MedGen C2675481, MONDO:0012953, OMIM 612591.
Hereditary cancer-predisposing syndrome. Also called: Tumor predisposition; Hereditary Cancer Syndrome; Hereditary neoplastic syndrome; Neoplastic Syndromes, Hereditary. Identifiers: Orphanet 140162, MedGen C0027672, MeSH D009386, MONDO:0015356.

Submissions (2):

Labcorp Genetics (formerly Invitae), Labcorp
Classification: Uncertain significance for POLD1-related polyposis and colorectal cancer syndrome. Last evaluated: 2019-01-29. Review status: criteria provided, single submitter. Criteria: Invitae Variant Classification Sherloc (09022015). Collection method: clinical testing. Allele origin: germline.
Comment: Missense variants that disrupt the 3'-5' exonuclease (proof-reading) activity of the POLD1 protein, while not abolishing its polymerase enzyme activity, are associated with an increased risk for colonic adenomatous polyps and colon cancer (PMID: 23263490, 23447401). Loss-of-function variants, which result in an absent or severely disrupted POLD1 protein, are therefore unlikely to be associated with disease. Without further clinical and genetic evidence, however, this variant has been classified as a Variant of Uncertain Significance. This variant has not been reported in the literature in individuals with POLD1-related conditions. This variant is not present in population databases (ExAC no frequency). This sequence change creates a premature translational stop signal (p.Lys554Thrfs*13) in the POLD1 gene. It is expected to result in an absent or disrupted protein product.

Ambry Genetics
Classification: Uncertain significance for Hereditary cancer-predisposing syndrome. Last evaluated: 2015-11-16. Review status: criteria provided, single submitter. Criteria: Ambry Variant Classification Scheme 2023. Collection method: clinical testing. Allele origin: germline.
Comment: The c.1661_1670del10 variant, located in coding exon 12 of the POLD1 gene, results from a deletion of 10 nucleotides between nucleotide positions 1661 and 1670, causing a translational frameshift with a predicted alternate stop codon. This variant was not reported in population based cohorts in the following databases: Database of Single Nucleotide Polymorphisms (dbSNP), NHLBI Exome Sequencing Project (ESP), and 1000 Genomes Project. In the ESP, this variant was not observed in 6503 samples (13006 alleles) with coverage at this position. To date, this alteration has been detected with an allele frequency of approximately 0.004% (greater than 25000 alleles tested) in our clinical cohort. As neither this specific alteration nor loss of function as a mechanism of pathogenicity have been well-described in the POLD1 gene, the clinical significance of this variant remains unknown (ACMG Standards and guidelines for the interpretation of sequence variants. Genet Med. 2015 May;17(5):405-23).

Literature cited by the submitters: PubMed 23263490 (cited by Labcorp Genetics (formerly Invitae), Labcorp); PubMed 23447401 (cited by Labcorp Genetics (formerly Invitae), Labcorp).